The following is an entry in ClinVar:

ClinVar aggregate classification (germline): Uncertain significance (1 of 4 stars; one submission).

Conditions:
DICER1-related tumor predisposition. Also called: DICER1-related pleuropulmonary blastoma cancer predisposition syndrome; DICER1 syndrome. Identifiers: Orphanet 284343, MedGen C3839822, MONDO:0100216.

Submission:

Labcorp Genetics (formerly Invitae), Labcorp
Classification: Uncertain significance for DICER1-related tumor predisposition. Last evaluated: 2023-02-22. Review status: criteria provided, single submitter. Criteria: Invitae Variant Classification Sherloc (09022015). Collection method: clinical testing. Allele origin: germline.
Comment: This variant is not present in population databases (gnomAD no frequency). This variant, c.3442_3450dup, results in the insertion of 3 amino acid(s) of the DICER1 protein (p.Gln1148_Ser1150dup), but otherwise preserves the integrity of the reading frame. This variant has not been reported in the literature in individuals affected with DICER1-related conditions. In summary, the available evidence is currently insufficient to determine the role of this variant in disease. Therefore, it has been classified as a Variant of Uncertain Significance.

NM_177438.3(DICER1):c.3442_3450dup (p.Ser1150_Val1151insGlnMetSer)

Gene: DICER1 (dicer 1, ribonuclease III; minus strand). Cytogenetic location: 14q32.13.
Variant type: Duplication.
Coding change: c.3442_3450dup on transcript NM_177438.3 (MANE Select); coding-DNA positions 3442 to 3450, 9 bases duplicated (CAAATGTCT; older notation c.3442_3450dupCAAATGTCT).
Protein change: p.Ser1150_Val1151insGlnMetSer.
Molecular consequence: inframe insertion. On other transcripts: inframe indel (1), non-coding transcript variant (6).
Genome position (GRCh38, 1-based): chr14:95,103,946-95,103,954, AGACATTTG duplicated on the plus strand (CAAATGTCT on the coding strand, the reverse complement: DICER1 is on the minus strand). VCF-style (leftmost placement, unchanged base first): chr14-95103945-C-CAGACATTTG. GRCh37 (hg19) VCF-style: chr14-95570282-C-CAGACATTTG.
Other names: c.3442_3450dup, p.Ser1150_Val1151insGlnMetSer (NM_001395678.1, NM_001395679.1, NM_001395680.1 and 13 more transcripts); c.3160_3168dup, p.Ser1056_Val1057insGlnMetSer (NM_001395686.1); c.3037_3045dup, p.Ser1015_Val1016insGlnMetSer (NM_001395687.1, NM_001395688.1, NM_001395689.1 and 2 more transcripts); c.2875_2883dup, p.Ser961_Val962insGlnMetSer (NM_001395691.1); c.1759_1767dup, p.Ser589_Val590insGlnMetSer (NM_001395697.1).
Identifiers: ClinVar variation 2839782 (VCV002839782.3), dbSNP rs2542713755, ClinGen allele CA2739277861.
Genomic context (GRCh38, chr14:95,103,945, plus strand): 5'-CTGCTGAAACTTCAACGTGGAGCTTACCAGGGGACTCGCTGAGCAACGTTCTGCAGTTCA[C>CAGACATTTG]AGACATTTGGTCATGATTTTCTAGAGAGGAGGTTCTATTAGCACCTTGATGTGCAGCATT-3'